The following is an entry in ClinVar:

NM_001378778.1(MPDZ):c.3582T>G (p.Ser1194Arg)

Gene: MPDZ (multiple PDZ domain crumbs cell polarity complex component; minus strand). Cytogenetic location: 9p23.
Variant type: single nucleotide variant.
Coding change: c.3582T>G on transcript NM_001378778.1 (MANE Select); coding-DNA position 3582, T replaced by G.
Protein change: p.Ser1194Arg; replaces serine 1194 with arginine.
Molecular consequence: missense variant.
Genome position (GRCh38, 1-based): chr9:13,150,559, A>C on the plus strand (T>G on the coding strand, the complement: MPDZ is on the minus strand). VCF-style: chr9-13150559-A-C. GRCh37 (hg19) VCF-style: chr9-13150558-A-C.
Other names: c.3582T>G, p.Ser1194Arg (NM_001261406.2, NM_001261407.2, NM_001330637.2 and 13 more transcripts); c.3384T>G, p.Ser1128Arg (NM_001375427.1); short protein forms S1194R, S1128R.
Identifiers: ClinVar variation 376860 (VCV000376860.49), dbSNP rs188840960, ClinGen allele CA4987074.

ClinVar aggregate classification (germline): Conflicting classifications of pathogenicity. Review status: criteria provided, conflicting classifications (1 of 4 stars). 6 submissions from 6 submitters: Uncertain significance (2); Benign (2); Likely benign (1). 1 of the submissions does not count toward it. Last evaluated 2026-09-01.

Conditions:
MPDZ-related disorder. Also called: MPDZ-related condition.

Allele frequency attached by ClinVar (database versions not stated): 1000 Genomes Project 0.00140; 1000 Genomes Project 30x 0.00156; TOPMed 0.00420; gnomAD 0.00451 and 0.00490; gnomAD exomes 0.00459 and 0.00663; ExAC 0.00526; ESP Exome Variant Server 0.00660.
gnomAD v4.1: 10,038 of 1,575,090 alleles (0.64%); highest among the groups gnomAD compares: Non-Finnish European, 0.77%; 49 homozygotes.

Submissions (6):

CeGaT Center for Human Genetics Tuebingen
Classification: Likely benign. Last evaluated: 2026-09-01. Review status: criteria provided, single submitter. Criteria: CeGaT Center For Human Genetics Tuebingen Variant Classification Criteria Version 2. Collection method: clinical testing. Allele origin: germline. Affected: yes. Observed: 7 variant alleles.
Comment: MPDZ: BS2

Labcorp Genetics (formerly Invitae), Labcorp
Classification: Benign. Last evaluated: 2026-01-29. Review status: criteria provided, single submitter. Criteria: Invitae Variant Classification Sherloc (09022015). Collection method: clinical testing. Allele origin: germline.

GeneDx
Classification: Uncertain significance. Last evaluated: 2025-02-14. Review status: criteria provided, single submitter. Criteria: GeneDx Variant Classification Process June 2021. Collection method: clinical testing. Allele origin: germline. Affected: yes.
Comment: Identified at a greater frequency in control alleles than in alleles from a cohort of individuals with keratoconus (PMID: 29924831); In silico analysis supports that this missense variant has a deleterious effect on protein structure/function; This variant is associated with the following publications: (PMID: 29924831)

Genetic Services Laboratory, University of Chicago
Classification: Benign. Last evaluated: 2019-04-09. Review status: criteria provided, single submitter. Criteria: ACMG Guidelines, 2015. Collection method: clinical testing. Allele origin: germline. Affected: no.

Center for Pediatric Genomic Medicine, Children's Mercy Hospital and Clinics
Classification: Uncertain significance. Last evaluated: 2017-01-31. Review status: criteria provided, single submitter. Criteria: ACMG Guidelines, 2015. Collection method: clinical testing. Allele origin: germline.
ClinVar note: Converted during submission from Uncertain Significance to Uncertain significance.

PreventionGenetics, part of Exact Sciences
Classification: Benign for MPDZ-related condition. Last evaluated: 2019-07-18. Review status: no assertion criteria provided. Collection method: clinical testing. Allele origin: germline. Not counted in ClinVar's aggregate classification.
Comment: This variant is classified as benign based on ACMG/AMP sequence variant interpretation guidelines (Richards et al. 2015 PMID: 25741868, with internal and published modifications).